The following is an entry in ClinVar:

ClinVar aggregate classification (germline): Uncertain significance (1 of 4 stars; one submission).

Conditions:
Arrhythmogenic right ventricular dysplasia 11. Also called: ARRHYTHMOGENIC RIGHT VENTRICULAR DYSPLASIA, FAMILIAL, 11; Arrhythmogenic Right Ventricular Dysplasia/Cardiomyopathy11; Arrhythmogenic right ventricular dysplasia 11 with mild palmoplantar keratoderma and woolly hair. Identifiers: MedGen C1864850, MONDO:0012506, OMIM 610476.

Submission:

Labcorp Genetics (formerly Invitae), Labcorp
Classification: Uncertain significance for Arrhythmogenic right ventricular dysplasia 11. Last evaluated: 2025-07-23. Review status: criteria provided, single submitter. Criteria: Invitae Variant Classification Sherloc (09022015). Collection method: clinical testing. Allele origin: germline.
Comment: This sequence change replaces glycine, which is neutral and non-polar, with arginine, which is basic and polar, at codon 286 of the DSC2 protein (p.Gly286Arg). This variant is present in population databases (rs747284078, gnomAD 0.006%). This variant has not been reported in the literature in individuals affected with DSC2-related conditions. Invitae Evidence Modeling of protein sequence and biophysical properties (such as structural, functional, and spatial information, amino acid conservation, physicochemical variation, residue mobility, and thermodynamic stability) indicates that this missense variant is not expected to disrupt DSC2 protein function with a negative predictive value of 80%. In summary, the available evidence is currently insufficient to determine the role of this variant in disease. Therefore, it has been classified as a Variant of Uncertain Significance.

NM_024422.6(DSC2):c.856G>A (p.Gly286Arg)

Gene: DSC2 (desmocollin 2; minus strand). Cytogenetic location: 18q12.1.
Variant type: single nucleotide variant.
Coding change: c.856G>A on transcript NM_024422.6 (MANE Select); coding-DNA position 856, G replaced by A.
Protein change: p.Gly286Arg; replaces glycine 286 with arginine.
Molecular consequence: missense variant.
Genome position (GRCh38, 1-based): chr18:31,086,662, C>T on the plus strand (G>A on the coding strand, the complement: DSC2 is on the minus strand). VCF-style: chr18-31086662-C-T. GRCh37 (hg19) VCF-style: chr18-28666625-C-T.
Other names: c.427G>A, p.Gly143Arg (NM_001406506.1, NM_001406507.1); c.856G>A, p.Gly286Arg (NM_004949.5); short protein forms G143R, G286R.
Identifiers: ClinVar variation 4738064 (VCV004738064.1).